The following is an entry in ClinVar:

ClinVar aggregate classification (germline): Uncertain significance (0 of 4 stars; one submission).

Conditions:
DSTYK-related disorder. Also called: DSTYK-related condition.

gnomAD v4.1: 23 of 1,612,108 alleles (0.0014%); highest among the groups gnomAD compares: Non-Finnish European, 0.0018%; no homozygotes.

Submission:

PreventionGenetics, part of Exact Sciences
Classification: Uncertain significance for DSTYK-related condition. Last evaluated: 2024-07-02. Review status: no assertion criteria provided. Collection method: clinical testing. Allele origin: germline.
Comment: The DSTYK c.2608C>T variant is predicted to result in the amino acid substitution p.Arg870Cys. To our knowledge, this variant has not been reported in the literature. This variant is reported in 0.0040% of alleles in individuals of European (Finnish) descent in gnomAD. At this time, the clinical significance of this variant is uncertain due to the absence of conclusive functional and genetic evidence.

NM_015375.3(DSTYK):c.2608C>T (p.Arg870Cys)

Gene: DSTYK (dual serine/threonine and tyrosine protein kinase; minus strand). Cytogenetic location: 1q32.1.
Variant type: single nucleotide variant.
Coding change: c.2608C>T on transcript NM_015375.3 (MANE Select); coding-DNA position 2608, C replaced by T.
Protein change: p.Arg870Cys; replaces arginine 870 with cysteine.
Molecular consequence: missense variant.
Genome position (GRCh38, 1-based): chr1:205,147,740, G>A on the plus strand (C>T on the coding strand, the complement: DSTYK is on the minus strand). VCF-style: chr1-205147740-G-A. GRCh37 (hg19) VCF-style: chr1-205116868-G-A.
Other names: c.2473C>T, p.Arg825Cys (NM_199462.3); short protein forms R825C, R870C.
Identifiers: ClinVar variation 3344447 (VCV003344447.1).